The following is an entry in ClinVar:

NM_004260.4(RECQL4):c.104C>G (p.Pro35Arg)

Genes: RECQL4 (RecQ like helicase 4; minus strand), LOC130001411 (ATAC-STARR-seq lymphoblastoid silent region 19699; plus strand). Cytogenetic location: 8q24.3.
Variant type: single nucleotide variant.
Coding change: c.104C>G on transcript NM_004260.4 (MANE Select); coding-DNA position 104, C replaced by G.
Protein change: p.Pro35Arg; replaces proline 35 with arginine.
Molecular consequence: missense variant. On other transcripts: 5 prime UTR variant (17), non-coding transcript variant (3), intron variant (1).
Genome position (GRCh38, 1-based): chr8:144,517,616, G>C on the plus strand (C>G on the coding strand, the complement: RECQL4 is on the minus strand). VCF-style: chr8-144517616-G-C. GRCh37 (hg19) VCF-style: chr8-145743000-G-C.
Other names: c.104C>G, p.Pro35Arg (NM_001413033.1, NM_001413036.1, NM_001413039.1 and 5 more transcripts); c.-872C>G (NM_001413034.1); c.-865C>G (NM_001413035.1, NM_001413024.1); c.-968C>G (NM_001413037.1, NM_001413038.1, NM_001413042.1 and 2 more transcripts); c.-873C>G (NM_001413040.1); c.-1030C>G (NM_001413041.1, NM_001413027.1, NM_001413030.1 and 1 more transcripts); c.-1237C>G (NM_001413043.1); c.-617C>G (NM_001413021.1); and 3 more; short protein forms P35R.
Identifiers: ClinVar variation 3022805 (VCV003022805.3), dbSNP rs2538129384, ClinGen allele CA372693428.

ClinVar aggregate classification (germline): Uncertain significance (1 of 4 stars; one submission).

Conditions:
Baller-Gerold syndrome (BGS). Also called: CRANIOSYNOSTOSIS WITH RADIAL DEFECTS. Identifiers: Orphanet 1225, MedGen C0265308, MONDO:0009039, OMIM 218600.

Submission:

Labcorp Genetics (formerly Invitae), Labcorp
Classification: Uncertain significance for Baller-Gerold syndrome. Last evaluated: 2023-04-07. Review status: criteria provided, single submitter. Criteria: Invitae Variant Classification Sherloc (09022015). Collection method: clinical testing. Allele origin: germline.
Comment: This variant is not present in population databases (gnomAD no frequency). This sequence change replaces proline, which is neutral and non-polar, with arginine, which is basic and polar, at codon 35 of the RECQL4 protein (p.Pro35Arg). This variant has not been reported in the literature in individuals affected with RECQL4-related conditions. Experimental studies and prediction algorithms are not available or were not evaluated, and the functional significance of this variant is currently unknown. In summary, the available evidence is currently insufficient to determine the role of this variant in disease. Therefore, it has been classified as a Variant of Uncertain Significance.